The following is an entry in ClinVar:

ClinVar aggregate classification (germline): Pathogenic/Likely pathogenic. Review status: criteria provided, multiple submitters, no conflicts (2 of 4 stars). 4 submissions from 4 submitters: Pathogenic (2); Likely pathogenic (2). Last evaluated 2025-12-30.

Conditions:
Pontocerebellar hypoplasia type 6 (PCH6). Identifiers: Orphanet 166073, MedGen C1969084, MONDO:0012683, OMIM 611523.

Allele frequency attached by ClinVar (database versions not stated): gnomAD exomes below 0.00001.
gnomAD v4.1: 1 of 1,614,138 alleles (0.000062%); highest among the groups gnomAD compares: Non-Finnish European, 0.000085%; no homozygotes.

Submissions (4):

Labcorp Genetics (formerly Invitae), Labcorp
Classification: Pathogenic. Last evaluated: 2025-12-30. Review status: criteria provided, single submitter. Criteria: Invitae Variant Classification Sherloc (09022015). Collection method: clinical testing. Allele origin: germline.
Comment: This sequence change creates a premature translational stop signal (p.Glu475*) in the RARS2 gene. It is expected to result in an absent or disrupted protein product. Loss-of-function variants in RARS2 are known to be pathogenic (PMID: 17847012, 22569581, 26083569). This variant is present in population databases (no rsID available, gnomAD 0.0009%). This variant has not been reported in the literature in individuals affected with RARS2-related conditions. ClinVar contains an entry for this variant (Variation ID: 280430). Algorithms developed to predict the effect of sequence changes on RNA splicing suggest that this variant may disrupt the consensus splice site. For these reasons, this variant has been classified as Pathogenic.

Fulgent Genetics
Classification: Likely pathogenic for Pontocerebellar hypoplasia type 6. Last evaluated: 2024-03-20. Review status: criteria provided, single submitter. Criteria: ACMG Guidelines, 2015. Collection method: clinical testing. Allele origin: germline.

Baylor Genetics
Classification: Likely pathogenic for Pontocerebellar hypoplasia type 6. Last evaluated: 2023-10-14. Review status: criteria provided, single submitter. Criteria: ACMG Guidelines, 2015. Collection method: clinical testing. Allele origin: unknown.

GeneDx
Classification: Pathogenic. Last evaluated: 2016-03-11. Review status: criteria provided, single submitter. Criteria: GeneDx Variant Classification (06012015). Collection method: clinical testing. Allele origin: germline. Affected: yes.
Comment: The E475X pathogenic variant in the RARS2 gene has not been reported previously as a pathogenic variant nor as a benign variant, to our knowledge. This variant is predicted to cause loss of normal protein function either through protein truncation or nonsense-mediated mRNA decay. The E475X variant was not observed in approximately 6500 individuals of European and African American ancestry in the NHLBI Exome Sequencing Project, indicating it is not a common benign variant in these populations.

Literature cited by the submitters: PubMed 17847012 (cited by Labcorp Genetics (formerly Invitae), Labcorp); PubMed 22569581 (cited by Labcorp Genetics (formerly Invitae), Labcorp); PubMed 26083569 (cited by Labcorp Genetics (formerly Invitae), Labcorp).

NM_020320.5(RARS2):c.1423G>T (p.Glu475Ter)

Gene: RARS2 (arginyl-tRNA synthetase 2, mitochondrial; minus strand). Cytogenetic location: 6q15.
Variant type: single nucleotide variant.
Coding change: c.1423G>T on transcript NM_020320.5 (MANE Select); coding-DNA position 1423, G replaced by T.
Protein change: p.Glu475Ter; replaces glutamic acid 475 with a stop codon.
Molecular consequence: nonsense. On other transcripts: non-coding transcript variant (19).
Genome position (GRCh38, 1-based): chr6:87,518,257, C>A on the plus strand (G>T on the coding strand, the complement: RARS2 is on the minus strand). VCF-style: chr6-87518257-C-A. GRCh37 (hg19) VCF-style: chr6-88227975-C-A.
Other names: c.898G>T, p.Glu300Ter (NM_001318785.2, NM_001350506.2, NM_001350507.2 and 4 more transcripts); c.1423G>T, p.Glu475Ter (NM_001350505.2); short protein forms E475*, E300*.
Identifiers: ClinVar variation 280430 (VCV000280430.5), dbSNP rs886041639, ClinGen allele CA10603012.